The following is an entry in ClinVar:

NM_021930.6(RINT1):c.292G>C (p.Glu98Gln)

Gene: RINT1 (RAD50 interactor 1; plus strand). Cytogenetic location: 7q22.3.
Variant type: single nucleotide variant.
Coding change: c.292G>C on transcript NM_021930.6 (MANE Select); coding-DNA position 292, G replaced by C.
Protein change: p.Glu98Gln; replaces glutamic acid 98 with glutamine.
Molecular consequence: missense variant. On other transcripts: 5 prime UTR variant (3), non-coding transcript variant (1).
Genome position (GRCh38, 1-based): chr7:105,542,426, G>C. VCF-style: chr7-105542426-G-C. GRCh37 (hg19) VCF-style: chr7-105182873-G-C.
Other names: c.58G>C, p.Glu20Gln (NM_001346599.2); c.-728G>C (NM_001346600.2); c.-631G>C (NM_001346601.2); c.-251G>C (NM_001346603.2); short protein forms E20Q, E98Q.
Identifiers: ClinVar variation 2625529 (VCV002625529.2), dbSNP rs2485112302, ClinGen allele CA368802792.

ClinVar aggregate classification (germline): Uncertain significance (1 of 4 stars; one submission).

Submission:

Ambry Genetics
Classification: Uncertain significance. Last evaluated: 2023-08-06. Review status: criteria provided, single submitter. Criteria: Ambry Variant Classification Scheme 2023. Collection method: clinical testing. Allele origin: germline.
Comment: The p.E98Q variant (also known as c.292G>C), located in coding exon 4 of the RINT1 gene, results from a G to C substitution at nucleotide position 292. The glutamic acid at codon 98 is replaced by glutamine, an amino acid with highly similar properties. This amino acid position is conserved. In addition, this alteration is predicted to be tolerated by in silico analysis. Since supporting evidence is limited at this time, the clinical significance of this alteration remains unclear.